The following is an entry in ClinVar:

NM_022765.4(MICAL1):c.2438G>A (p.Arg813His)

Gene: MICAL1 (microtubule associated monooxygenase, calponin and LIM domain containing 1; minus strand). Cytogenetic location: 6q21.
Variant type: single nucleotide variant.
Coding change: c.2438G>A on transcript NM_022765.4 (MANE Select); coding-DNA position 2438, G replaced by A.
Protein change: p.Arg813His; replaces arginine 813 with histidine.
Molecular consequence: missense variant.
Genome position (GRCh38, 1-based): chr6:109,446,279, C>T on the plus strand (G>A on the coding strand, the complement: MICAL1 is on the minus strand). VCF-style: chr6-109446279-C-T. GRCh37 (hg19) VCF-style: chr6-109767482-C-T.
Other names: c.2180G>A, p.Arg727His (NM_001159291.2); c.2495G>A, p.Arg832His (NM_001286613.2); c.2438G>A (NM_022765.3); short protein forms R813H, R832H, R727H.
Identifiers: ClinVar variation 1402150 (VCV001402150.11), dbSNP rs775386197, ClinGen allele CA3952896.

ClinVar aggregate classification (germline): Uncertain significance. Review status: criteria provided, multiple submitters, no conflicts (2 of 4 stars). 2 submissions from 2 submitters: Uncertain significance (2). Last evaluated 2025-10-02.

Allele frequency attached by ClinVar (database versions not stated): ExAC 0.00002; gnomAD 0.00003; gnomAD exomes 0.00003 and 0.00004; TOPMed 0.00004.
gnomAD v4.1: 55 of 1,613,324 alleles (0.0034%); highest among the groups gnomAD compares: Non-Finnish European, 0.0042%; no homozygotes.

Submissions (2):

Labcorp Genetics (formerly Invitae), Labcorp
Classification: Uncertain significance. Last evaluated: 2025-10-02. Review status: criteria provided, single submitter. Criteria: Invitae Variant Classification Sherloc (09022015). Collection method: clinical testing. Allele origin: germline.
Comment: This sequence change replaces arginine, which is basic and polar, with histidine, which is basic and polar, at codon 832 of the MICAL1 protein (p.Arg832His). This variant is present in population databases (rs775386197, gnomAD 0.01%). This variant has not been reported in the literature in individuals affected with MICAL1-related conditions. ClinVar contains an entry for this variant (Variation ID: 1402150). An algorithm developed to predict the effect of missense changes on protein structure and function (PolyPhen-2) suggests that this variant is likely to be disruptive. In summary, the available evidence is currently insufficient to determine the role of this variant in disease. Therefore, it has been classified as a Variant of Uncertain Significance.

Ambry Genetics
Classification: Uncertain significance. Last evaluated: 2023-07-11. Review status: criteria provided, single submitter. Criteria: Ambry Variant Classification Scheme 2023. Collection method: clinical testing. Allele origin: germline.